The following is an entry in ClinVar:

ClinVar aggregate classification (germline): Likely pathogenic (1 of 4 stars; one submission).

Conditions:
Autosomal recessive Alport syndrome (ATS2). Also called: COL4A3-Related Nephropathy; COL4A4 Alport Syndrome and Thin Basement Membrane Nephropathy; ALPORT SYNDROME 2, AUTOSOMAL RECESSIVE; Alport syndrome type 2. Identifiers: Orphanet 63, Orphanet 88919, MedGen C4746745, MONDO:0008762, OMIM 203780.

Submission:

MVZ Medizinische Genetik Mainz
Classification: Likely pathogenic for Autosomal recessive Alport syndrome. Last evaluated: 2024-10-01. Review status: criteria provided, single submitter. Criteria: UK Practice Guidelines For Variant Classification V4 01 2020. Collection method: clinical testing. Allele origin: germline. Inheritance: Autosomal dominant inheritance. Affected: yes. Observed: 1 variant allele.
Comment: ACMG Criteria: PM1_STR,PM2_SUP,PM5_SUP,PP3,PP4

NM_000092.5(COL4A4):c.3827G>A (p.Gly1276Glu)

Gene: COL4A4 (collagen type IV alpha 4 chain; minus strand). Cytogenetic location: 2q36.3.
Variant type: single nucleotide variant.
Coding change: c.3827G>A on transcript NM_000092.5 (MANE Select); coding-DNA position 3827, G replaced by A.
Protein change: p.Gly1276Glu; replaces glycine 1276 with glutamic acid.
Molecular consequence: missense variant.
Genome position (GRCh38, 1-based): chr2:227,030,589, C>T on the plus strand (G>A on the coding strand, the complement: COL4A4 is on the minus strand). VCF-style: chr2-227030589-C-T. GRCh37 (hg19) VCF-style: chr2-227895305-C-T.
Other names: short protein forms G1276E.
Identifiers: ClinVar variation 3370312 (VCV003370312.1).
Genomic context (GRCh38, chr2:227,030,589, plus strand): 5'-AGACCACAGTCACCTGGCTCCCCTCTCAGAAGGTCAACACTCCCAGGGAGGCCTGGAGGC[C>T]CAGGTGCTCCTGACCACAGAGAAGAGACAAAAATATTCTTTTAGTCAAAGACGAATGTGT-3'
Protein context (NP_000083.3, residues 1266-1286): PGPDGPRGAP[Gly1276Glu]PPGLPGSVDL